The following is an entry in ClinVar:

ClinVar aggregate classification (germline): Uncertain significance (1 of 4 stars; one submission).

Conditions:
3-methylglutaconic aciduria with deafness, encephalopathy, and Leigh-like syndrome (MEGDEL). Also called: 3-METHYLGLUTACONIC ACIDURIA, TYPE VI; MEGDEL syndrome; SERAC1 Deficiency. Identifiers: Orphanet 352328, MedGen C4040739, MONDO:0013875, OMIM 614739.

Allele frequency attached by ClinVar (database versions not stated): gnomAD 0.00002; TOPMed 0.00003; ESP Exome Variant Server 0.00008.
gnomAD v4.1: 29 of 1,613,866 alleles (0.0018%); highest among the groups gnomAD compares: Admixed American, 0.005%; no homozygotes.

Submission:

Labcorp Genetics (formerly Invitae), Labcorp
Classification: Uncertain significance for 3-methylglutaconic aciduria with deafness, encephalopathy, and Leigh-like syndrome. Last evaluated: 2021-09-20. Review status: criteria provided, single submitter. Criteria: Invitae Variant Classification Sherloc (09022015). Collection method: clinical testing. Allele origin: germline.
Comment: This variant has not been reported in the literature in individuals affected with SERAC1-related conditions. Algorithms developed to predict the effect of missense changes on protein structure and function output the following: SIFT: "Tolerated"; PolyPhen-2: "Benign"; Align-GVGD: "Class C0". The valine amino acid residue is found in multiple mammalian species, which suggests that this missense change does not adversely affect protein function. In summary, the available evidence is currently insufficient to determine the role of this variant in disease. Therefore, it has been classified as a Variant of Uncertain Significance. This variant is present in population databases (rs367903368, ExAC 0.005%). This sequence change replaces methionine with valine at codon 424 of the SERAC1 protein (p.Met424Val). The methionine residue is weakly conserved and there is a small physicochemical difference between methionine and valine.

NM_032861.4(SERAC1):c.1270A>G (p.Met424Val)

Gene: SERAC1 (serine active site containing 1; minus strand). Cytogenetic location: 6q25.3.
Variant type: single nucleotide variant.
Coding change: c.1270A>G on transcript NM_032861.4 (MANE Select); coding-DNA position 1270, A replaced by G.
Protein change: p.Met424Val; replaces methionine 424 with valine.
Molecular consequence: missense variant. On other transcripts: non-coding transcript variant (1).
Genome position (GRCh38, 1-based): chr6:158,119,067, T>C on the plus strand (A>G on the coding strand, the complement: SERAC1 is on the minus strand). VCF-style: chr6-158119067-T-C. GRCh37 (hg19) VCF-style: chr6-158540099-T-C.
Other names: short protein forms M424V.
Identifiers: ClinVar variation 852637 (VCV000852637.7), dbSNP rs367903368, ClinGen allele CA4071155.